The following is an entry in ClinVar:

ClinVar aggregate classification (germline): Uncertain significance (1 of 4 stars; one submission).

Allele frequency attached by ClinVar (database versions not stated): gnomAD 0.00001.
gnomAD v4.1: 7 of 1,614,122 alleles (0.00043%); highest among the groups gnomAD compares: Non-Finnish European, 0.00059%; no homozygotes.

Submission:

Labcorp Genetics (formerly Invitae), Labcorp
Classification: Uncertain significance. Last evaluated: 2022-07-11. Review status: criteria provided, single submitter. Criteria: Invitae Variant Classification Sherloc (09022015). Collection method: clinical testing. Allele origin: germline.
Comment: In summary, the available evidence is currently insufficient to determine the role of this variant in disease. Therefore, it has been classified as a Variant of Uncertain Significance. Algorithms developed to predict the effect of missense changes on protein structure and function output the following: SIFT: "Tolerated"; PolyPhen-2: "Benign"; Align-GVGD: "Class C0". The aspartic acid amino acid residue is found in multiple mammalian species, which suggests that this missense change does not adversely affect protein function. ClinVar contains an entry for this variant (Variation ID: 1354642). This variant has not been reported in the literature in individuals affected with NLRP1-related conditions. This variant is not present in population databases (gnomAD no frequency). This sequence change replaces glutamic acid, which is acidic and polar, with aspartic acid, which is acidic and polar, at codon 1397 of the NLRP1 protein (p.Glu1397Asp).

NM_033004.4(NLRP1):c.4191G>C (p.Glu1397Asp)

Gene: NLRP1 (NLR family pyrin domain containing 1; minus strand). Cytogenetic location: 17p13.2.
Variant type: single nucleotide variant.
Coding change: c.4191G>C on transcript NM_033004.4 (MANE Select); coding-DNA position 4191, G replaced by C.
Protein change: p.Glu1397Asp; replaces glutamic acid 1397 with aspartic acid.
Molecular consequence: missense variant. On other transcripts: intron variant (1).
Genome position (GRCh38, 1-based): chr17:5,514,985, C>G on the plus strand (G>C on the coding strand, the complement: NLRP1 is on the minus strand). VCF-style: chr17-5514985-C-G. GRCh37 (hg19) VCF-style: chr17-5418305-C-G.
Other names: c.4059G>C, p.Glu1353Asp (NM_014922.5); c.4101G>C, p.Glu1367Asp (NM_033006.4); c.3969G>C, p.Glu1323Asp (NM_033007.4); c.4069+2761G>C (NM_001033053.3); short protein forms E1353D, E1323D, E1397D, E1367D.
Identifiers: ClinVar variation 1354642 (VCV001354642.8), dbSNP rs200833136, ClinGen allele CA287273569.